The following is an entry in ClinVar:

NM_022114.4(PRDM16):c.134C>A (p.Pro45His)

Gene: PRDM16 (PR/SET domain 16; plus strand). Cytogenetic location: 1p36.32.
Variant type: single nucleotide variant.
Coding change: c.134C>A on transcript NM_022114.4 (MANE Select); coding-DNA position 134, C replaced by A.
Protein change: p.Pro45His; replaces proline 45 with histidine.
Molecular consequence: missense variant.
Genome position (GRCh38, 1-based): chr1:3,186,221, C>A. VCF-style: chr1-3186221-C-A. GRCh37 (hg19) VCF-style: chr1-3102785-C-A.
Other names: c.134C>A (NM_022114.3); c.134C>A, p.Pro45His (NM_199454.3); short protein forms P45H.
Identifiers: ClinVar variation 1446810 (VCV001446810.9), dbSNP rs1644265658, ClinGen allele CA338215456.

ClinVar aggregate classification (germline): Uncertain significance. Review status: criteria provided, multiple submitters, no conflicts (2 of 4 stars). 2 submissions from 2 submitters: Uncertain significance (2). Last evaluated 2024-05-24.

Conditions:
Left ventricular noncompaction 8 (LVNC8). Identifiers: Orphanet 154, Orphanet 54260, MedGen C3809288, MONDO:0014152, OMIM 615373.

Allele frequency attached by ClinVar (database versions not stated): TOPMed below 0.00001.

Submissions (2):

GeneDx
Classification: Uncertain significance. Last evaluated: 2024-05-24. Review status: criteria provided, single submitter. Criteria: GeneDx Variant Classification Process June 2021. Collection method: clinical testing. Allele origin: germline. Affected: yes.
Comment: Not observed at significant frequency in large population cohorts (gnomAD); In silico analysis supports that this missense variant does not alter protein structure/function; Has not been previously published as pathogenic or benign to our knowledge

Labcorp Genetics (formerly Invitae), Labcorp
Classification: Uncertain significance for Left ventricular noncompaction 8. Last evaluated: 2023-12-06. Review status: criteria provided, single submitter. Criteria: Invitae Variant Classification Sherloc (09022015). Collection method: clinical testing. Allele origin: germline.
Comment: This sequence change replaces proline, which is neutral and non-polar, with histidine, which is basic and polar, at codon 45 of the PRDM16 protein (p.Pro45His). This variant is not present in population databases (gnomAD no frequency). This variant has not been reported in the literature in individuals affected with PRDM16-related conditions. ClinVar contains an entry for this variant (Variation ID: 1446810). An algorithm developed to predict the effect of missense changes on protein structure and function (PolyPhen-2) suggests that this variant is likely to be disruptive. In summary, the available evidence is currently insufficient to determine the role of this variant in disease. Therefore, it has been classified as a Variant of Uncertain Significance.